The following is an entry in ClinVar:

ClinVar aggregate classification (germline): Uncertain significance (1 of 4 stars; one submission).

Conditions:
BDP1-related disorder. Also called: BDP1-related condition.

Submission:

PreventionGenetics, part of Exact Sciences
Classification: Uncertain significance for BDP1-related condition. Last evaluated: 2025-01-10. Review status: criteria provided, single submitter. Criteria: ACMG Guidelines, 2015. Collection method: clinical testing. Allele origin: germline.
Comment: The BDP1 c.930delG variant is predicted to result in a frameshift and premature protein termination (p.Met310Ilefs*4). To our knowledge, this variant has not been reported in the literature. This variant is reported in 0.0080% of alleles in individuals of European (Non-Finnish) descent in gnomAD. At this time, the clinical significance of this variant is uncertain due to the absence of conclusive functional and genetic evidence.

NM_018429.3(BDP1):c.930del (p.Met310fs)

Gene: BDP1 (BDP1 general transcription factor IIIB subunit; plus strand). Cytogenetic location: 5q13.2.
Variant type: Deletion.
Coding change: c.930del on transcript NM_018429.3 (MANE Select); coding-DNA position 930, one base deleted (G; older notation c.930delG).
Protein change: p.Met310fs; shifts the reading frame from methionine 310.
Molecular consequence: frameshift variant.
Genome position (GRCh38, 1-based): chr5:71,470,405, G deleted. VCF-style (leftmost placement, unchanged base first): chr5-71470404-TG-T. GRCh37 (hg19) VCF-style: chr5-70766231-TG-T.
Other names: short protein forms M310fs.
Identifiers: ClinVar variation 4985102 (VCV004985102.1).
Genomic context (GRCh38, chr5:71,470,404, plus strand): 5'-AAATATTGATATAATTAATTTTCAATCATTCTAAATCTTTTATTTTCACAGAAACAGATA[TG>T]TTTTTTTTAGCCATCAGCATGGTAGGAACTGACTTTTCTATGATCGGACAACTTTTTCCT-3'